The following is an entry in ClinVar:

NM_000535.7(PMS2):c.2206G>A (p.Glu736Lys)

Gene: PMS2 (PMS1 homolog 2, mismatch repair system component; minus strand). Cytogenetic location: 7p22.1.
Variant type: single nucleotide variant.
Coding change: c.2206G>A on transcript NM_000535.7 (MANE Select); coding-DNA position 2206, G replaced by A.
Protein change: p.Glu736Lys; replaces glutamic acid 736 with lysine.
Molecular consequence: missense variant. On other transcripts: non-coding transcript variant (1).
Genome position (GRCh38, 1-based): chr7:5,978,665, C>T on the plus strand (G>A on the coding strand, the complement: PMS2 is on the minus strand). VCF-style: chr7-5978665-C-T. GRCh37 (hg19) VCF-style: chr7-6018296-C-T.
Other names: c.1801G>A, p.Glu601Lys (NM_001018040.1, NM_001322003.2, NM_001322004.2 and 15 more transcripts); c.2050G>A, p.Glu684Lys (NM_001322006.2, NM_001406870.1); c.1888G>A, p.Glu630Lys (NM_001322007.2, NM_001322008.2, NM_001406876.1 and 1 more transcripts); c.1645G>A, p.Glu549Lys (NM_001322010.2, NM_001406906.1, NM_001406907.1); c.1273G>A, p.Glu425Lys (NM_001322011.2, NM_001322012.2); c.1633G>A, p.Glu545Lys (NM_001322013.2, NM_001406908.1, NM_001406909.1); c.2206G>A, p.Glu736Lys (NM_001322014.2); c.1897G>A, p.Glu633Lys (NM_001322015.2, NM_001406875.1, NM_001406877.1 and 5 more transcripts); and 14 more; short protein forms E574K, E633K, E700K, E798K, E624K, E680K, E684K, E425K.
Identifiers: ClinVar variation 1787694 (VCV001787694.2), dbSNP rs2128683356, ClinGen allele CA366736821.

ClinVar aggregate classification (germline): Uncertain significance (1 of 4 stars; one submission).

Conditions:
Hereditary cancer-predisposing syndrome. Also called: Neoplastic Syndromes, Hereditary; Tumor predisposition; Hereditary Cancer Syndrome; Hereditary neoplastic syndrome. Identifiers: Orphanet 140162, MedGen C0027672, MeSH D009386, MONDO:0015356.

Submission:

Ambry Genetics
Classification: Uncertain significance for Hereditary cancer-predisposing syndrome. Last evaluated: 2021-01-13. Review status: criteria provided, single submitter. Criteria: Ambry Variant Classification Scheme 2023. Collection method: clinical testing. Allele origin: germline.
Comment: The p.E736K variant (also known as c.2206G>A), located in coding exon 13 of the PMS2 gene, results from a G to A substitution at nucleotide position 2206. The glutamic acid at codon 736 is replaced by lysine, an amino acid with similar properties. This amino acid position is highly conserved in available vertebrate species. In addition, this alteration is predicted to be deleterious by in silico analysis. This missense alteration is located in a region that has a low rate of benign missense variation (Lek M et al. Nature. 2016 Aug 18;536(7616):285-91; DECIPHER: Database of Chromosomal Imbalance and Phenotype in Humans using Ensembl Resources. Firth H.V. et al. 2009. Am.J.Hum.Genet. 84, 524-533 (DOI)). Since supporting evidence is limited at this time, the clinical significance of this alteration remains unclear.